The following is an entry in ClinVar:

NM_001283009.2(RTEL1):c.2877C>A (p.His959Gln)

Genes: RTEL1 (regulator of telomere elongation helicase 1; plus strand), RTEL1-TNFRSF6B (RTEL1-TNFRSF6B readthrough (NMD candidate); plus strand). Cytogenetic location: 20q13.33.
Variant type: single nucleotide variant.
Coding change: c.2877C>A on transcript NM_001283009.2 (MANE Select); coding-DNA position 2877, C replaced by A.
Protein change: p.His959Gln; replaces histidine 959 with glutamine.
Molecular consequence: missense variant. On other transcripts: non-coding transcript variant (1).
Genome position (GRCh38, 1-based): chr20:63,693,168, C>A. VCF-style: chr20-63693168-C-A. GRCh37 (hg19) VCF-style: chr20-62324521-C-A.
Other names: c.2208C>A, p.His736Gln (NM_001283010.1); c.2877C>A, p.His959Gln (NM_016434.4); c.2949C>A, p.His983Gln (NM_032957.5); short protein forms H959Q, H983Q, H736Q.
Identifiers: ClinVar variation 540932 (VCV000540932.12), dbSNP rs373996455, ClinGen allele CA9965642.

ClinVar aggregate classification (germline): Uncertain significance. Review status: criteria provided, multiple submitters, no conflicts (2 of 4 stars). 5 submissions from 5 submitters: Uncertain significance (4). 1 of the submissions does not count toward it. Last evaluated 2025-11-17.

Conditions:
Dyskeratosis congenita, autosomal dominant 1 (DKCA1). Also called: Dyskeratosis congenita Scoggins type. Identifiers: Orphanet 1775, MedGen C4551974, MONDO:0007485, OMIM 127550. Inheritance: Variable.
Dyskeratosis congenita, autosomal recessive 5 (DKCB5). Identifiers: MedGen C3554656, MONDO:0014076, OMIM 615190.
Pulmonary fibrosis and/or bone marrow failure, Telomere-related, 3. Also called: PULMONARY FIBROSIS AND/OR BONE MARROW FAILURE SYNDROME, TELOMERE-RELATED, 3. Identifiers: Orphanet 2032, MedGen C4225346, MONDO:0014613, OMIM 616373.
Inborn genetic diseases. Identifiers: MedGen C0950123, MeSH D030342.

Allele frequency attached by ClinVar (database versions not stated): gnomAD 0.00008 and 0.00009; gnomAD exomes 0.00007; ExAC 0.00006; TOPMed 0.00011; ESP Exome Variant Server 0.00015.

Submissions (5):

Labcorp Genetics (formerly Invitae), Labcorp
Classification: Uncertain significance for Dyskeratosis congenita, autosomal recessive 5; Pulmonary fibrosis and/or bone marrow failure, Telomere-related, 3. Last evaluated: 2025-11-17. Review status: criteria provided, single submitter. Criteria: Invitae Variant Classification Sherloc (09022015). Collection method: clinical testing. Allele origin: germline.
Comment: This sequence change replaces histidine, which is basic and polar, with glutamine, which is neutral and polar, at codon 959 of the RTEL1 protein (p.His959Gln). This variant is present in population databases (rs373996455, gnomAD 0.01%). This variant has not been reported in the literature in individuals affected with RTEL1-related conditions. This variant is also known as c.2949C>A, p.His983Gln. ClinVar contains an entry for this variant (Variation ID: 540932). An algorithm developed to predict the effect of missense changes on protein structure and function (PolyPhen-2) suggests that this variant is likely to be disruptive. In summary, the available evidence is currently insufficient to determine the role of this variant in disease. Therefore, it has been classified as a Variant of Uncertain Significance.

GeneDx
Classification: Uncertain significance. Last evaluated: 2023-05-02. Review status: criteria provided, single submitter. Criteria: GeneDx Variant Classification Process June 2021. Collection method: clinical testing. Allele origin: germline. Affected: yes.
Comment: In silico analysis supports that this missense variant has a deleterious effect on protein structure/function; Has not been previously published as pathogenic or benign to our knowledge

Ambry Genetics
Classification: Uncertain significance for Inborn genetic diseases. Last evaluated: 2022-11-10. Review status: criteria provided, single submitter. Criteria: Ambry Variant Classification Scheme 2023. Collection method: clinical testing. Allele origin: germline.
Comment: The p.H983Q variant (also known as c.2949C>A), located in coding exon 29 of the RTEL1 gene, results from a C to A substitution at nucleotide position 2949. The histidine at codon 983 is replaced by glutamine, an amino acid with highly similar properties. This amino acid position is conserved. In addition, this alteration is predicted to be tolerated by in silico analysis. Since supporting evidence is limited at this time, the clinical significance of this alteration remains unclear.

Fulgent Genetics
Classification: Uncertain significance for Dyskeratosis congenita, autosomal recessive 5; Pulmonary fibrosis and/or bone marrow failure, Telomere-related, 3. Last evaluated: 2021-07-01. Review status: criteria provided, single submitter. Criteria: ACMG Guidelines, 2015. Collection method: clinical testing. Allele origin: unknown.

Natera, Inc.
Classification: Uncertain significance for Autosomal dominant dyskeratosis congenita. Last evaluated: 2020-06-05. Review status: no assertion criteria provided. Collection method: clinical testing. Allele origin: germline. Not counted in ClinVar's aggregate classification.